The following is an entry in ClinVar:

NM_017841.4(SDHAF2):c.383C>T (p.Ala128Val)

Gene: SDHAF2 (succinate dehydrogenase complex assembly factor 2; plus strand). Cytogenetic location: 11q12.2.
Variant type: single nucleotide variant.
Coding change: c.383C>T on transcript NM_017841.4 (MANE Select); coding-DNA position 383, C replaced by T.
Protein change: p.Ala128Val; replaces alanine 128 with valine.
Molecular consequence: missense variant.
Genome position (GRCh38, 1-based): chr11:61,445,953, C>T. VCF-style: chr11-61445953-C-T. GRCh37 (hg19) VCF-style: chr11-61213425-C-T.
Other names: short protein forms A128V.
Identifiers: ClinVar variation 463827 (VCV000463827.13), dbSNP rs1554985400, ClinGen allele CA380685251.

ClinVar aggregate classification (germline): Uncertain significance. Review status: criteria provided, multiple submitters, no conflicts (2 of 4 stars). 3 submissions from 3 submitters: Uncertain significance (3). Last evaluated 2026-01-11.

Conditions:
Hereditary cancer-predisposing syndrome. Also called: Neoplastic Syndromes, Hereditary; Hereditary neoplastic syndrome; Tumor predisposition; Hereditary Cancer Syndrome. Identifiers: Orphanet 140162, MedGen C0027672, MeSH D009386, MONDO:0015356.
Hereditary pheochromocytoma and paraganglioma. Also called: Hereditary Paraganglioma-Pheochromocytoma Syndromes; Hereditary paragangliomas and pheochromocytomas; Hereditary pheochromocytoma-paraganglioma. Identifiers: Orphanet 29072, MedGen C4274332, MONDO:0017366.

Allele frequency attached by ClinVar (database versions not stated): gnomAD exomes below 0.00001.
gnomAD v4.1: 1 of 1,614,118 alleles (0.000062%); highest among the groups gnomAD compares: African/African-American, 0.0013%; no homozygotes.

Submissions (3):

Labcorp Genetics (formerly Invitae), Labcorp
Classification: Uncertain significance for Hereditary pheochromocytoma and paraganglioma. Last evaluated: 2026-01-11. Review status: criteria provided, single submitter. Criteria: Invitae Variant Classification Sherloc (09022015). Collection method: clinical testing. Allele origin: germline.
Comment: This sequence change replaces alanine, which is neutral and non-polar, with valine, which is neutral and non-polar, at codon 128 of the SDHAF2 protein (p.Ala128Val). This variant is not present in population databases (gnomAD no frequency). This variant has not been reported in the literature in individuals affected with SDHAF2-related conditions. ClinVar contains an entry for this variant (Variation ID: 463827). An algorithm developed to predict the effect of missense changes on protein structure and function (PolyPhen-2) suggests that this variant is likely to be tolerated. In summary, the available evidence is currently insufficient to determine the role of this variant in disease. Therefore, it has been classified as a Variant of Uncertain Significance.

Ambry Genetics
Classification: Uncertain significance for Hereditary cancer-predisposing syndrome. Last evaluated: 2024-08-27. Review status: criteria provided, single submitter. Criteria: Ambry Variant Classification Scheme 2023. Collection method: clinical testing. Allele origin: germline.

GeneDx
Classification: Uncertain significance. Last evaluated: 2023-09-24. Review status: criteria provided, single submitter. Criteria: GeneDx Variant Classification Process June 2021. Collection method: clinical testing. Allele origin: germline. Affected: yes.
Comment: Not observed at significant frequency in large population cohorts (gnomAD); In silico analysis supports that this missense variant does not alter protein structure/function; Has not been previously published as pathogenic or benign to our knowledge